The following is an entry in ClinVar:

NM_015057.5(MYCBP2):c.10836G>A (p.Glu3612=)

Genes: MYCBP2 (MYC binding protein 2; minus strand), MYCBP2-AS1 (MYCBP2 antisense RNA 1; plus strand). Cytogenetic location: 13q22.3.
Variant type: single nucleotide variant.
Coding change: c.10836G>A on transcript NM_015057.5 (MANE Select); coding-DNA position 10836, G replaced by A.
Protein change: p.Glu3612=; no amino-acid change (glutamic acid 3612 retained).
Molecular consequence: synonymous variant.
Genome position (GRCh38, 1-based): chr13:77,087,523, C>T on the plus strand (G>A on the coding strand, the complement: MYCBP2 is on the minus strand). VCF-style: chr13-77087523-C-T. GRCh37 (hg19) VCF-style: chr13-77661658-C-T.
Identifiers: ClinVar variation 3350689 (VCV003350689.1).
Genomic context (GRCh38, chr13:77,087,523, plus strand): 5'-CAAAACAAAAATTTCATTTACTTGTTCTGAATTTTCTTTGCTTGTTTTATTTTCTTCATC[C>T]TCTTCTTCCTCTGGTTCCACTGGTGCAGGAGTCAGTGATGCCACAAAATGCCACAGAATA-3'
Protein context (NP_055872.4, residues 3602-3622): TPAPVEPEEE[Glu3612=]DEENKTSKEN

ClinVar aggregate classification (germline): Likely benign (0 of 4 stars; one submission).

Conditions:
MYCBP2-related disorder. Also called: MYCBP2-related condition.

gnomAD v4.1: 55 of 1,612,682 alleles (0.0034%); highest among the groups gnomAD compares: African/African-American, 0.049%; no homozygotes.

Submission:

PreventionGenetics, part of Exact Sciences
Classification: Likely benign for MYCBP2-related condition. Last evaluated: 2024-09-19. Review status: no assertion criteria provided. Collection method: clinical testing. Allele origin: germline.
Comment: This variant is classified as likely benign based on ACMG/AMP sequence variant interpretation guidelines (Richards et al. 2015 PMID: 25741868, with internal and published modifications).